The following is an entry in ClinVar:

NM_014956.5(CEP164):c.4001G>A (p.Trp1334Ter)

Gene: CEP164 (centrosomal protein 164; plus strand). Cytogenetic location: 11q23.3.
Variant type: single nucleotide variant.
Coding change: c.4001G>A on transcript NM_014956.5 (MANE Select); coding-DNA position 4001, G replaced by A.
Protein change: p.Trp1334Ter; replaces tryptophan 1334 with a stop codon.
Molecular consequence: nonsense.
Genome position (GRCh38, 1-based): chr11:117,409,870, G>A. VCF-style: chr11-117409870-G-A. GRCh37 (hg19) VCF-style: chr11-117280586-G-A.
Other names: c.3986G>A, p.Trp1329Ter (NM_001271933.2); short protein forms W1334*, W1329*.
Identifiers: ClinVar variation 1935573 (VCV001935573.7), dbSNP rs2047135088, ClinGen allele CA382744826.

ClinVar aggregate classification (germline): Pathogenic/Likely pathogenic. Review status: criteria provided, multiple submitters, no conflicts (2 of 4 stars). 3 submissions from 3 submitters: Pathogenic (1); Likely pathogenic (2). Last evaluated 2024-02-22.

Conditions:
CEP164-related disorder. Also called: CEP164-related condition.
Nephronophthisis 15 (NPHP15). Identifiers: Orphanet 3156, MedGen C3541853, MONDO:0013917, OMIM 614845.

Allele frequency attached by ClinVar (database versions not stated): TOPMed below 0.00001.

Submissions (3):

Fulgent Genetics
Classification: Likely pathogenic for Nephronophthisis 15. Last evaluated: 2024-02-22. Review status: criteria provided, single submitter. Criteria: ACMG Guidelines, 2015. Collection method: clinical testing. Allele origin: germline.

Labcorp Genetics (formerly Invitae), Labcorp
Classification: Pathogenic for Nephronophthisis 15. Last evaluated: 2023-11-13. Review status: criteria provided, single submitter. Criteria: Invitae Variant Classification Sherloc (09022015). Collection method: clinical testing. Allele origin: germline.
Comment: This sequence change creates a premature translational stop signal (p.Trp1334*) in the CEP164 gene. It is expected to result in an absent or disrupted protein product. Loss-of-function variants in CEP164 are known to be pathogenic (PMID: 22863007, 28125082, 32367404, 34132027, 34499853). This variant is not present in population databases (gnomAD no frequency). This premature translational stop signal has been observed in individual(s) with Bardet–Biedl Syndrome (PMID: 35112343). In at least one individual the data is consistent with being in trans (on the opposite chromosome) from a pathogenic variant. ClinVar contains an entry for this variant (Variation ID: 1935573). For these reasons, this variant has been classified as Pathogenic.

Blueprint Genetics
Classification: Likely pathogenic for CEP164-related disorders. Last evaluated: 2022-09-07. Review status: criteria provided, single submitter. Criteria: ACMG Guidelines, 2015. Collection method: clinical testing. Allele origin: germline. Affected: yes. Observed: 1 variant allele.

Literature cited by the submitters: PubMed 22863007 (cited by Labcorp Genetics (formerly Invitae), Labcorp); PubMed 28125082 (cited by Labcorp Genetics (formerly Invitae), Labcorp); PubMed 32367404 (cited by Labcorp Genetics (formerly Invitae), Labcorp); PubMed 34132027 (cited by Labcorp Genetics (formerly Invitae), Labcorp); PubMed 34499853 (cited by Labcorp Genetics (formerly Invitae), Labcorp); PubMed 35112343 (cited by Labcorp Genetics (formerly Invitae), Labcorp).